The following is an entry in ClinVar:

NM_000051.4(ATM):c.5732C>G (p.Ala1911Gly)

Gene: ATM (ATM serine/threonine kinase; plus strand). Cytogenetic location: 11q22.3.
Variant type: single nucleotide variant.
Coding change: c.5732C>G on transcript NM_000051.4 (MANE Select); coding-DNA position 5732, C replaced by G.
Protein change: p.Ala1911Gly; replaces alanine 1911 with glycine.
Molecular consequence: missense variant.
Genome position (GRCh38, 1-based): chr11:108,307,954, C>G. VCF-style: chr11-108307954-C-G. GRCh37 (hg19) VCF-style: chr11-108178681-C-G.
Other names: c.5732C>G, p.Ala1911Gly (NM_001351834.2); short protein forms A1911G.
Identifiers: ClinVar variation 1749338 (VCV001749338.2), dbSNP rs2135977388, ClinGen allele CA382547964.

ClinVar aggregate classification (germline): Uncertain significance (1 of 4 stars; one submission).

Conditions:
Hereditary cancer-predisposing syndrome. Also called: Hereditary Cancer Syndrome; Hereditary neoplastic syndrome; Neoplastic Syndromes, Hereditary; Tumor predisposition. Identifiers: Orphanet 140162, MedGen C0027672, MeSH D009386, MONDO:0015356.

Submission:

Ambry Genetics
Classification: Uncertain significance for Hereditary cancer-predisposing syndrome. Last evaluated: 2019-12-19. Review status: criteria provided, single submitter. Criteria: Ambry Variant Classification Scheme 2023. Collection method: clinical testing. Allele origin: germline.
Comment: The p.A1911G variant (also known as c.5732C>G), located in coding exon 37 of the ATM gene, results from a C to G substitution at nucleotide position 5732. The alanine at codon 1911 is replaced by glycine, an amino acid with similar properties. This amino acid position is well conserved in available vertebrate species. In addition, this alteration is predicted to be tolerated by in silico analysis. Since supporting evidence is limited at this time, the clinical significance of this alteration remains unclear.